The following is an entry in ClinVar:

ClinVar aggregate classification (germline): Conflicting classifications of pathogenicity. Review status: criteria provided, conflicting classifications (1 of 4 stars). 4 submissions from 4 submitters: Uncertain significance (1); Likely benign (3). Last evaluated 2026-02-01.

Conditions:
Upshaw-Schulman syndrome (TTP). Also called: THROMBOTIC THROMBOCYTOPENIC PURPURA, HEREDITARY; Congenital thrombotic thrombocytopenic purpura. Identifiers: Orphanet 93583, MedGen C1268935, MONDO:0010122, OMIM 274150.

Allele frequency attached by ClinVar (database versions not stated): ESP Exome Variant Server 0.00015; gnomAD 0.00028 and 0.00033; gnomAD exomes 0.00029 and 0.00053; TOPMed 0.00039; ExAC 0.00046; 1000 Genomes Project 30x 0.00047; 1000 Genomes Project 0.00060.
gnomAD v4.1: 503 of 1,613,526 alleles (0.031%); highest among the groups gnomAD compares: South Asian, 0.18%; 2 homozygotes.

Submissions (4):

Labcorp Genetics (formerly Invitae), Labcorp
Classification: Likely benign. Last evaluated: 2026-02-01. Review status: criteria provided, single submitter. Criteria: Invitae Variant Classification Sherloc (09022015). Collection method: clinical testing. Allele origin: germline.

Mayo Clinic Laboratories, Mayo Clinic
Classification: Likely benign. Last evaluated: 2025-01-31. Review status: criteria provided, single submitter. Criteria: ACMG Guidelines, 2015. Collection method: clinical testing. Allele origin: germline. Observed: 5 variant alleles.
Comment: BS1, BP4, BP7

Blueprint Genetics
Classification: Likely benign. Last evaluated: 2024-04-12. Review status: criteria provided, single submitter. Criteria: ACMG Guidelines, 2015. Collection method: clinical testing. Allele origin: germline.

Illumina Laboratory Services, Illumina
Classification: Uncertain significance for Upshaw-Schulman syndrome. Last evaluated: 2018-01-12. Review status: criteria provided, single submitter. Criteria: ICSL Variant Classification Criteria 13 December 2019. Collection method: clinical testing. Allele origin: germline.

NM_139027.6(ADAMTS13):c.3495C>T (p.Leu1165=)

Gene: ADAMTS13 (ADAM metallopeptidase with thrombospondin type 1 motif 13; plus strand). Cytogenetic location: 9q34.2.
Variant type: single nucleotide variant.
Coding change: c.3495C>T on transcript NM_139027.6 (MANE Select); coding-DNA position 3495, C replaced by T.
Protein change: p.Leu1165=; no amino-acid change (leucine 1165 retained).
Molecular consequence: synonymous variant. On other transcripts: non-coding transcript variant (1).
Genome position (GRCh38, 1-based): chr9:133,456,163, C>T. VCF-style: chr9-133456163-C-T. GRCh37 (hg19) VCF-style: chr9-136321285-C-T.
Other names: p.Leu1221=; c.3663C>T, p.Leu1221= (NM_139025.5); c.3402C>T, p.Leu1134= (NM_139026.6).
Identifiers: ClinVar variation 365565 (VCV000365565.15), dbSNP rs144916851, ClinGen allele CA10629431.